The following is an entry in ClinVar:

ClinVar aggregate classification (germline): Uncertain significance. Review status: criteria provided, multiple submitters, no conflicts (2 of 4 stars). 2 submissions from 2 submitters: Uncertain significance (2). Last evaluated 2024-01-03.

Conditions:
Inborn genetic diseases. Identifiers: MedGen C0950123, MeSH D030342.

Allele frequency attached by ClinVar (database versions not stated): TOPMed below 0.00001; gnomAD 0.00001; gnomAD exomes 0.00001; ExAC 0.00002; 1000 Genomes Project 0.00020; 1000 Genomes Project 30x 0.00031.
gnomAD v4.1: 8 of 1,613,454 alleles (0.0005%); highest among the groups gnomAD compares: South Asian, 0.0044%; no homozygotes.

Submissions (2):

Ambry Genetics
Classification: Uncertain significance for Inborn genetic diseases. Last evaluated: 2024-01-03. Review status: criteria provided, single submitter. Criteria: Ambry Variant Classification Scheme 2023. Collection method: clinical testing. Allele origin: germline.

Labcorp Genetics (formerly Invitae), Labcorp
Classification: Uncertain significance. Last evaluated: 2022-09-21. Review status: criteria provided, single submitter. Criteria: Invitae Variant Classification Sherloc (09022015). Collection method: clinical testing. Allele origin: germline.
Comment: This variant is present in population databases (rs550898254, gnomAD 0.006%). This variant has not been reported in the literature in individuals affected with CFH-related conditions. This sequence change replaces histidine, which is basic and polar, with arginine, which is basic and polar, at codon 337 of the CFH protein (p.His337Arg). Algorithms developed to predict the effect of missense changes on protein structure and function output the following: SIFT: "Tolerated"; PolyPhen-2: "Benign"; Align-GVGD: "Class C0". The arginine amino acid residue is found in multiple mammalian species, which suggests that this missense change does not adversely affect protein function. In summary, the available evidence is currently insufficient to determine the role of this variant in disease. Therefore, it has been classified as a Variant of Uncertain Significance.

NM_000186.4(CFH):c.1010A>G (p.His337Arg)

Gene: CFH (complement factor H; plus strand). Cytogenetic location: 1q31.3.
Variant type: single nucleotide variant.
Coding change: c.1010A>G on transcript NM_000186.4 (MANE Select); coding-DNA position 1010, A replaced by G.
Protein change: p.His337Arg; replaces histidine 337 with arginine.
Molecular consequence: missense variant.
Genome position (GRCh38, 1-based): chr1:196,689,465, A>G. VCF-style: chr1-196689465-A-G. GRCh37 (hg19) VCF-style: chr1-196658595-A-G.
Other names: c.1010A>G, p.His337Arg (NM_001014975.3); short protein forms H337R.
Identifiers: ClinVar variation 2113896 (VCV002113896.5), dbSNP rs550898254, ClinGen allele CA1305227.